The following is an entry in ClinVar:

ClinVar aggregate classification (germline): Uncertain significance (1 of 4 stars; one submission).

Conditions:
Singleton-Merten syndrome 1 (SGMRT1). Also called: Widened medullary cavities of bone, aortic calcification, abnormal dentition, and muscular weakness; Syndrome of widened medullary cavities of the metacarpals and phalanges, aortic calcification and abnormal dentition. Identifiers: Orphanet 85191, MedGen C4225427, MONDO:0024535, OMIM 182250.
Aicardi-Goutieres syndrome 7 (AGS7). Identifiers: Orphanet 51, MedGen C3888244, MONDO:0014367, OMIM 615846.

Allele frequency attached by ClinVar (database versions not stated): gnomAD exomes below 0.00001.
gnomAD v4.1: 1 of 1,612,806 alleles (0.000062%); highest among the groups gnomAD compares: Non-Finnish European, 0.000085%; no homozygotes.

Submission:

Labcorp Genetics (formerly Invitae), Labcorp
Classification: Uncertain significance for Aicardi-Goutieres syndrome 7; Singleton-Merten syndrome 1. Last evaluated: 2020-10-16. Review status: criteria provided, single submitter. Criteria: Invitae Variant Classification Sherloc (09022015). Collection method: clinical testing. Allele origin: germline.
Comment: In summary, the available evidence is currently insufficient to determine the role of this variant in disease. Therefore, it has been classified as a Variant of Uncertain Significance. Algorithms developed to predict the effect of missense changes on protein structure and function (SIFT, PolyPhen-2, Align-GVGD) all suggest that this variant is likely to be disruptive, but these predictions have not been confirmed by published functional studies and their clinical significance is uncertain. This variant has not been reported in the literature in individuals with IFIH1-related conditions. This variant is not present in population databases (ExAC no frequency). This sequence change replaces isoleucine with threonine at codon 326 of the IFIH1 protein (p.Ile326Thr). The isoleucine residue is highly conserved and there is a moderate physicochemical difference between isoleucine and threonine.

NM_022168.4(IFIH1):c.977T>C (p.Ile326Thr)

Gene: IFIH1 (interferon induced with helicase C domain 1; minus strand). Cytogenetic location: 2q24.2.
Variant type: single nucleotide variant.
Coding change: c.977T>C on transcript NM_022168.4 (MANE Select); coding-DNA position 977, T replaced by C.
Protein change: p.Ile326Thr; replaces isoleucine 326 with threonine.
Molecular consequence: missense variant.
Genome position (GRCh38, 1-based): chr2:162,288,253, A>G on the plus strand (T>C on the coding strand, the complement: IFIH1 is on the minus strand). VCF-style: chr2-162288253-A-G. GRCh37 (hg19) VCF-style: chr2-163144763-A-G.
Other names: short protein forms I326T.
Identifiers: ClinVar variation 1001100 (VCV001001100.8), dbSNP rs1682931491, ClinGen allele CA349004776.